The following is an entry in ClinVar:

ClinVar aggregate classification (germline): Uncertain significance. Review status: criteria provided, multiple submitters, no conflicts (2 of 4 stars). 3 submissions from 3 submitters: Uncertain significance (3). Last evaluated 2024-10-08.

Conditions:
Emery-Dreifuss muscular dystrophy 4, autosomal dominant (EDMD4). Also called: EMERY-DREIFUSS MUSCULAR DYSTROPHY 4 WITH VARIABLE FEATURES. Identifiers: Orphanet 261, MedGen C2751807, MONDO:0013071, OMIM 612998.
Autosomal recessive ataxia, Beauce type. Also called: Spinocerebellar ataxia, autosomal recessive 8; ATAXIA, RECESSIVE, OF BEAUCE; SYNE1 Deficiency; SYNE1-Related Autosomal Recessive Cerebellar Ataxia. Identifiers: Orphanet 88644, MedGen C1853116, MONDO:0012549, OMIM 610743.

Allele frequency attached by ClinVar (database versions not stated): gnomAD exomes below 0.00001 and 0.00001; ExAC 0.00001; gnomAD 0.00003 and 0.00004; TOPMed 0.00004; ESP Exome Variant Server 0.00008.
gnomAD v4.1: 10 of 1,614,074 alleles (0.00062%); highest among the groups gnomAD compares: African/African-American, 0.013%; no homozygotes.

Submissions (3):

Athena Diagnostics
Classification: Uncertain significance. Last evaluated: 2024-10-08. Review status: criteria provided, single submitter. Criteria: Athena Diagnostics Criteria. Collection method: clinical testing. Allele origin: unknown.
Comment: Available data are insufficient to determine the clinical significance of the variant at this time. The frequency of this variant in the general population is uninformative in assessment of its pathogenicity. Polyphen and MutationTaster predict this amino acid change may be benign.

Labcorp Genetics (formerly Invitae), Labcorp
Classification: Uncertain significance for Emery-Dreifuss muscular dystrophy 4, autosomal dominant; Autosomal recessive ataxia, Beauce type. Last evaluated: 2022-03-11. Review status: criteria provided, single submitter. Criteria: Invitae Variant Classification Sherloc (09022015). Collection method: clinical testing. Allele origin: germline.
Comment: This sequence change replaces asparagine, which is neutral and polar, with serine, which is neutral and polar, at codon 2362 of the SYNE1 protein (p.Asn2362Ser). In summary, the available evidence is currently insufficient to determine the role of this variant in disease. Therefore, it has been classified as a Variant of Uncertain Significance. Algorithms developed to predict the effect of missense changes on protein structure and function output the following: SIFT: "Tolerated"; PolyPhen-2: "Benign"; Align-GVGD: "Class C0". The serine amino acid residue is found in multiple mammalian species, which suggests that this missense change does not adversely affect protein function. This variant has not been reported in the literature in individuals affected with SYNE1-related conditions. This variant is present in population databases (rs377180714, gnomAD 0.02%).

Revvity Omics, Revvity
Classification: Uncertain significance. Last evaluated: 2019-06-12. Review status: criteria provided, single submitter. Criteria: ACMG Guidelines, 2015. Collection method: clinical testing. Allele origin: germline.

NM_182961.4(SYNE1):c.7064A>G (p.Asn2355Ser)

Gene: SYNE1 (spectrin repeat containing nuclear envelope protein 1; minus strand). Cytogenetic location: 6q25.2.
Variant type: single nucleotide variant.
Coding change: c.7064A>G on transcript NM_182961.4 (MANE Select); coding-DNA position 7064, A replaced by G.
Protein change: p.Asn2355Ser; replaces asparagine 2355 with serine.
Molecular consequence: missense variant.
Genome position (GRCh38, 1-based): chr6:152,399,789, T>C on the plus strand (A>G on the coding strand, the complement: SYNE1 is on the minus strand). VCF-style: chr6-152399789-T-C. GRCh37 (hg19) VCF-style: chr6-152720924-T-C.
Other names: c.7064A>G (NM_182961.2); c.7085A>G (NM_033071.3); c.7085A>G, p.Asn2362Ser (NM_033071.5); short protein forms N2355S, N2362S.
Identifiers: ClinVar variation 1449715 (VCV001449715.11), dbSNP rs377180714, ClinGen allele CA4057921.
Genomic context (GRCh38, chr6:152,399,789, plus strand): 5'-AACTCAGCTGAGTGGTACTTGCGGCACAAGCTATTGAGATTTTCTTGGGTAGAGCTGATG[T>C]TGCTTTGTTGACTTTGAAGTTCTTTTTGTATATCCTACAGAATAAAAGTATATTATGAAG-3'
Protein context (NP_892006.3, residues 2345-2365): IQKELQSQQS[Asn2355Ser]ISSTQENLNS